The following is an entry in ClinVar:

NM_001197104.2(KMT2A):c.1907A>C (p.Lys636Thr)

Gene: KMT2A (lysine methyltransferase 2A; plus strand). Cytogenetic location: 11q23.3.
Variant type: single nucleotide variant.
Coding change: c.1907A>C on transcript NM_001197104.2 (MANE Select); coding-DNA position 1907, A replaced by C.
Protein change: p.Lys636Thr; replaces lysine 636 with threonine.
Molecular consequence: missense variant.
Genome position (GRCh38, 1-based): chr11:118,473,066, A>C. VCF-style: chr11-118473066-A-C. GRCh37 (hg19) VCF-style: chr11-118343781-A-C.
Other names: c.2006A>C, p.Lys669Thr (NM_001412597.1); c.1907A>C, p.Lys636Thr (NM_005933.4); short protein forms K636T, K669T.
Identifiers: ClinVar variation 2575640 (VCV002575640.1), dbSNP rs1555036219, ClinGen allele CA382811619.

ClinVar aggregate classification (germline): Uncertain significance (1 of 4 stars; one submission).

Submission:

GeneDx
Classification: Uncertain significance. Last evaluated: 2023-02-10. Review status: criteria provided, single submitter. Criteria: GeneDx Variant Classification Process June 2021. Collection method: clinical testing. Allele origin: germline. Affected: yes.
Comment: Not observed at significant frequency in large population cohorts (gnomAD); In silico analysis supports that this missense variant does not alter protein structure/function; Has not been previously published as pathogenic or benign to our knowledge